The following is an entry in ClinVar:

NM_003850.3(SUCLA2):c.1227A>G (p.Gln409=)

Gene: SUCLA2 (succinate-CoA ligase ADP-forming subunit beta; minus strand). Cytogenetic location: 13q14.2.
Variant type: single nucleotide variant.
Coding change: c.1227A>G on transcript NM_003850.3 (MANE Select); coding-DNA position 1227, A replaced by G.
Protein change: p.Gln409=; no amino-acid change (glutamine 409 retained).
Molecular consequence: synonymous variant.
Genome position (GRCh38, 1-based): chr13:47,949,484, T>C on the plus strand (A>G on the coding strand, the complement: SUCLA2 is on the minus strand). VCF-style: chr13-47949484-T-C. GRCh37 (hg19) VCF-style: chr13-48523619-T-C.
Identifiers: ClinVar variation 1304196 (VCV001304196.3), dbSNP rs1223638181, ClinGen allele CA483708498.

ClinVar aggregate classification (germline): Uncertain significance. Review status: criteria provided, multiple submitters, no conflicts (2 of 4 stars). 2 submissions from 2 submitters: Uncertain significance (2). Last evaluated 2022-07-18.

Conditions:
Mitochondrial DNA depletion syndrome, encephalomyopathic form with methylmalonic aciduria (MTDPS5). Also called: MITOCHONDRIAL DNA DEPLETION SYNDROME, ENCEPHALOMYOPATHIC FORM, WITH OR WITHOUT METHYLMALONIC ACIDURIA, AUTOSOMAL RECESSIVE, SUCLA2-RELATED; Mitochondrial DNA depletion syndrome 5 (encephalomyopathic with or without methylmalonic aciduria); SUCLA2-Related Mitochondrial DNA Depletion Syndrome, Encephalomyopathic Form with Methylmalonic Aciduria; Mitochondrial encephalomyopathy aminoacidopathy. Identifiers: Orphanet 1933, MedGen C5980207, MONDO:0012791, OMIM 612073.

Allele frequency attached by ClinVar (database versions not stated): gnomAD exomes below 0.00001 and 0.00003; gnomAD 0.00001; TOPMed 0.00002.
gnomAD v4.1: 43 of 1,613,382 alleles (0.0027%); highest among the groups gnomAD compares: Non-Finnish European, 0.0035%; no homozygotes.

Submissions (2):

Labcorp Genetics (formerly Invitae), Labcorp
Classification: Uncertain significance for Mitochondrial DNA depletion syndrome, encephalomyopathic form with methylmalonic aciduria. Last evaluated: 2022-07-18. Review status: criteria provided, single submitter. Criteria: Invitae Variant Classification Sherloc (09022015). Collection method: clinical testing. Allele origin: germline.
Comment: This sequence change affects codon 409 of the SUCLA2 mRNA. It is a 'silent' change, meaning that it does not change the encoded amino acid sequence of the SUCLA2 protein. It affects a nucleotide within the consensus splice site. This variant is present in population databases (no rsID available, gnomAD 0.0009%). This variant has not been reported in the literature in individuals affected with SUCLA2-related conditions. ClinVar contains an entry for this variant (Variation ID: 1304196). Algorithms developed to predict the effect of sequence changes on RNA splicing suggest that this variant is not likely to affect RNA splicing. In summary, the available evidence is currently insufficient to determine the role of this variant in disease. Therefore, it has been classified as a Variant of Uncertain Significance.

GeneDx
Classification: Uncertain significance. Last evaluated: 2020-03-03. Review status: criteria provided, single submitter. Criteria: GeneDx Variant Classification Process June 2021. Collection method: clinical testing. Allele origin: germline. Affected: yes.
Comment: Has not been previously published as pathogenic or benign to our knowledge; Not observed at a significant frequency in large population cohorts (Lek et al., 2016); In silico analysis, which includes splice predictors and evolutionary conservation, suggests this variant may impact gene splicing. In the absence of RNA/functional studies, the actual effect of this sequence change is unknown.